The following is an entry in ClinVar:

ClinVar aggregate classification (germline): Likely benign. Review status: criteria provided, multiple submitters, no conflicts (2 of 4 stars). 2 submissions from 2 submitters: Likely benign (2). Last evaluated 2026-03-11.

Conditions:
RASopathy. Also called: rasopathies; Noonan spectrum disorder. Identifiers: Orphanet 536391, MedGen C5555857, MONDO:0021060.

Allele frequency attached by ClinVar (database versions not stated): gnomAD exomes below 0.00001; gnomAD 0.00001.
gnomAD v4.1: 3 of 1,614,050 alleles (0.00019%); highest among the groups gnomAD compares: East Asian, 0.0022%; no homozygotes.

Submissions (2):

Women's Health and Genetics/Laboratory Corporation of America, LabCorp
Classification: Likely benign. Last evaluated: 2026-03-11. Review status: criteria provided, single submitter. Criteria: LabCorp Variant Classification Summary - May 2015. Collection method: clinical testing. Allele origin: germline.
Comment: Variant summary: RAF1 c.1896G>A alters a conserved nucleotide resulting in a synonymous change. Consensus agreement among computation tools predict no significant impact on normal splicing. However, these predictions have yet to be confirmed by functional studies. The variant was absent in 251340 control chromosomes. The available data on variant occurrences in the general population are insufficient to allow any conclusion about variant significance. To our knowledge, no occurrence of c.1896G>A in individuals affected with RAF1-related conditions and no experimental evidence demonstrating its impact on protein function have been reported. ClinVar contains an entry for this variant (Variation ID: 2046784). Based on the evidence outlined above, the variant was classified as likely benign.

Labcorp Genetics (formerly Invitae), Labcorp
Classification: Likely benign for RASopathy. Last evaluated: 2024-08-05. Review status: criteria provided, single submitter. Criteria: Invitae Variant Classification Sherloc (09022015). Collection method: clinical testing. Allele origin: germline.

NM_002880.4(RAF1):c.1896G>A (p.Glu632=)

Gene: RAF1 (Raf-1 proto-oncogene, serine/threonine kinase; minus strand). Cytogenetic location: 3p25.2.
Variant type: single nucleotide variant.
Coding change: c.1896G>A on transcript NM_002880.4 (MANE Select); coding-DNA position 1896, G replaced by A.
Protein change: p.Glu632=; no amino-acid change (glutamic acid 632 retained).
Molecular consequence: synonymous variant. On other transcripts: non-coding transcript variant (3).
Genome position (GRCh38, 1-based): chr3:12,584,565, C>T on the plus strand (G>A on the coding strand, the complement: RAF1 is on the minus strand). VCF-style: chr3-12584565-C-T. GRCh37 (hg19) VCF-style: chr3-12626064-C-T.
Other names: c.1956G>A, p.Glu652= (NM_001354689.3); c.1896G>A, p.Glu632= (NM_001354690.3); c.1653G>A, p.Glu551= (NM_001354691.3, NM_001354692.3); c.1797G>A, p.Glu599= (NM_001354693.3); c.1713G>A, p.Glu571= (NM_001354694.3); c.1554G>A, p.Glu518= (NM_001354695.3).
Identifiers: ClinVar variation 2046784 (VCV002046784.5), dbSNP rs1160576234, ClinGen allele CA432272641.